The following is an entry in ClinVar:

ClinVar aggregate classification (germline): Uncertain significance. Review status: criteria provided, multiple submitters, no conflicts (2 of 4 stars). 5 submissions from 5 submitters: Uncertain significance (5). Last evaluated 2024-10-12.

Conditions:
Multiple endocrine neoplasia, type 2 (MEN2). Identifiers: Orphanet 653, MedGen C4048306, MONDO:0019003. Disease mechanism: gain of function.
Hereditary cancer-predisposing syndrome. Also called: Neoplastic Syndromes, Hereditary; Tumor predisposition; Hereditary Cancer Syndrome; Hereditary neoplastic syndrome. Identifiers: Orphanet 140162, MedGen C0027672, MeSH D009386, MONDO:0015356.

Allele frequency attached by ClinVar (database versions not stated): gnomAD 0.00001.
gnomAD v4.1: 4 of 1,577,814 alleles (0.00025%); highest among the groups gnomAD compares: South Asian, 0.0023%; no homozygotes.

Submissions (5):

Ambry Genetics
Classification: Uncertain significance for Hereditary cancer-predisposing syndrome. Last evaluated: 2024-10-12. Review status: criteria provided, single submitter. Criteria: Ambry Variant Classification Scheme 2023. Collection method: clinical testing. Allele origin: germline.
Comment: The p.P218R variant (also known as c.653C>G), located in coding exon 4 of the RET gene, results from a C to G substitution at nucleotide position 653. The proline at codon 218 is replaced by arginine, an amino acid with dissimilar properties. This alteration was identified in an pediatric individual diagnosed with osteosarcoma (Kovac M et al. J Med Genet, 2021 01;58:20-24). This amino acid position is not well conserved in available vertebrate species. In addition, this alteration is predicted to be tolerated by in silico analysis. Since supporting evidence is limited at this time, the clinical significance of this alteration remains unclear.

All of Us Research Program, National Institutes of Health
Classification: Uncertain significance for Multiple endocrine neoplasia, type 2. Last evaluated: 2024-03-24. Review status: criteria provided, single submitter. Criteria: ACMG Guidelines, 2015. Collection method: clinical testing. Allele origin: germline. Inheritance: Autosomal dominant inheritance. Observed: 1 variant allele, 1 heterozygote.
Comment: This missense variant replaces proline with arginine at codon 218 of the RET protein. Computational prediction suggests that this variant may not impact protein structure and function. To our knowledge, functional studies have not been reported for this variant. This variant has been reported in an individual affected with osteosarcoma (PMID: 32179705). This variant has been identified in 1/31360 chromosomes in the general population by the Genome Aggregation Database (gnomAD). The available evidence is insufficient to determine the role of this variant in disease conclusively. Therefore, this variant is classified as a Variant of Uncertain Significance.

This study involves interpretation of variants in research participants for the purpose of population health screening. Participant phenotype was not available at the time of variant classification. Additional details can be found in publication PMID: 35346344, PMCID: PMC8962531

Color Diagnostics, LLC DBA Color Health
Classification: Uncertain significance for Multiple endocrine neoplasia, type 2. Last evaluated: 2024-02-15. Review status: criteria provided, single submitter. Criteria: ACMG Guidelines, 2015. Collection method: clinical testing. Allele origin: germline.
Comment: This missense variant replaces proline with arginine at codon 218 of the RET protein. Computational prediction suggests that this variant may not impact protein structure and function. To our knowledge, functional studies have not been reported for this variant. This variant has been reported in an individual affected with osteosarcoma (PMID: 32179705). This variant has been identified in 1/31360 chromosomes in the general population by the Genome Aggregation Database (gnomAD). The available evidence is insufficient to determine the role of this variant in disease conclusively. Therefore, this variant is classified as a Variant of Uncertain Significance.

GeneDx
Classification: Uncertain significance. Last evaluated: 2024-01-05. Review status: criteria provided, single submitter. Criteria: GeneDx Variant Classification Process June 2021. Collection method: clinical testing. Allele origin: germline. Affected: yes.
Comment: Observed in an individual with osteosarcoma (PMID: 32179705); Not observed at significant frequency in large population cohorts (gnomAD); In silico analysis supports that this missense variant does not alter protein structure/function; This variant is associated with the following publications: (PMID: 14633923, 32179705)

Labcorp Genetics (formerly Invitae), Labcorp
Classification: Uncertain significance for Multiple endocrine neoplasia, type 2. Last evaluated: 2023-01-15. Review status: criteria provided, single submitter. Criteria: Invitae Variant Classification Sherloc (09022015). Collection method: clinical testing. Allele origin: germline.
Comment: This variant is present in population databases (no rsID available, gnomAD 0.01%). In summary, the available evidence is currently insufficient to determine the role of this variant in disease. Therefore, it has been classified as a Variant of Uncertain Significance. Algorithms developed to predict the effect of missense changes on protein structure and function (SIFT, PolyPhen-2, Align-GVGD) all suggest that this variant is likely to be tolerated. ClinVar contains an entry for this variant (Variation ID: 1754100). This missense change has been observed in individual(s) with osteoblastic osteosarcoma (PMID: 32179705). This sequence change replaces proline, which is neutral and non-polar, with arginine, which is basic and polar, at codon 218 of the RET protein (p.Pro218Arg).

Literature cited by the submitters: PubMed 32179705 (cited by 4 submitters).

NM_020975.6(RET):c.653C>G (p.Pro218Arg)

Gene: RET (ret proto-oncogene; plus strand). Cytogenetic location: 10q11.21.
Variant type: single nucleotide variant.
Coding change: c.653C>G on transcript NM_020975.6 (MANE Select); coding-DNA position 653, C replaced by G.
Protein change: p.Pro218Arg; replaces proline 218 with arginine.
Molecular consequence: missense variant.
Genome position (GRCh38, 1-based): chr10:43,104,979, C>G. VCF-style: chr10-43104979-C-G. GRCh37 (hg19) VCF-style: chr10-43600427-C-G.
Other names: c.653C>G, p.Pro218Arg (NM_000323.2, NM_001406743.1, NM_001406744.1 and 8 more transcripts); c.-110C>G (NM_001355216.2); c.524C>G, p.Pro175Arg (NM_001406761.1, NM_001406762.1, NM_001406764.1 and 2 more transcripts); c.365C>G, p.Pro122Arg (NM_001406766.1, NM_001406767.1, NM_001406770.1); short protein forms P175R, P218R, P122R.
Identifiers: ClinVar variation 1754100 (VCV001754100.10), dbSNP rs1197513567, ClinGen allele CA376544372.
Genomic context (GRCh38, chr10:43,104,979, plus strand): 5'-ATCACGCGGGGCCCCTGTCTGCTTGGTGCGCAGGTGAGGGTCTGCCCTTCCGCTGCGCCC[C>G]GGACAGCCTGGAGGTGAGCACGCGCTGGGCCCTGGACCGCGAGCAGCGGGAGAAGTACGA-3'
Protein context (NP_066124.1, residues 208-228): EGEGLPFRCA[Pro218Arg]DSLEVSTRWA